The following is an entry in ClinVar:

NM_001267550.2(TTN):c.36178A>C (p.Lys12060Gln)

Gene: TTN (titin; minus strand). Cytogenetic location: 2q31.2.
Variant type: single nucleotide variant.
Coding change: c.36178A>C on transcript NM_001267550.2 (MANE Select); coding-DNA position 36178, A replaced by C.
Protein change: p.Lys12060Gln; replaces lysine 12060 with glutamine.
Molecular consequence: missense variant. On other transcripts: intron variant (5).
Genome position (GRCh38, 1-based): chr2:178,664,678, T>G on the plus strand (A>C on the coding strand, the complement: TTN is on the minus strand). VCF-style: chr2-178664678-T-G. GRCh37 (hg19) VCF-style: chr2-179529405-T-G.
Other names: c.13283-22361A>C (NM_003319.4); c.13859-22361A>C (NM_133437.4); c.13658-22361A>C (NM_133432.3); c.31484-1623A>C (NM_133378.4); c.34265-1623A>C (NM_001256850.1); short protein forms K12060Q.
Identifiers: ClinVar variation 4986325 (VCV004986325.1).

ClinVar aggregate classification (germline): Uncertain significance (1 of 4 stars; one submission).

Conditions:
TTN-related disorder. Also called: TTN-related disorders; TTN-related condition; TTN-related disease.

gnomAD v4.1: 2 of 1,612,552 alleles (0.00012%); highest among the groups gnomAD compares: Non-Finnish European, 0.000085%; no homozygotes.

Submission:

PreventionGenetics, part of Exact Sciences
Classification: Uncertain significance for TTN-related condition. Last evaluated: 2025-09-01. Review status: criteria provided, single submitter. Criteria: ACMG Guidelines, 2015. Collection method: clinical testing. Allele origin: germline.
Comment: The TTN c.36178A>C variant is predicted to result in the amino acid substitution p.Lys12060Gln. To our knowledge, this variant has not been reported in the literature. This variant is reported in 0.00094% of alleles in individuals of European (Non-Finnish) descent in gnomAD. At this time, the clinical significance of this variant is uncertain due to the absence of conclusive functional and genetic evidence.